The following is an entry in ClinVar:

ClinVar aggregate classification (germline): Likely pathogenic (1 of 4 stars; one submission).

Submission:

Genetics Laboratory, UDIAT-Centre Diagnòstic, Hospital Universitari Parc Tauli
Classification: Likely pathogenic. Last evaluated: 2021-04-26. Review status: criteria provided, single submitter. Criteria: Parc Tauli Hospital Assertion Criteria 2021. Collection method: clinical testing. Allele origin: unknown. Inheritance: Autosomal dominant inheritance. Affected: yes. Observed: 1 heterozygote.
Comment: PVS1_strong;PM2_supporting;PP3_supporting

NM_001371928.1(AHDC1):c.877G>T (p.Glu293Ter)

Gene: AHDC1 (AT-hook DNA binding motif containing 1; minus strand). Cytogenetic location: 1p36.11.
Variant type: single nucleotide variant.
Coding change: c.877G>T on transcript NM_001371928.1 (MANE Select); coding-DNA position 877, G replaced by T.
Protein change: p.Glu293Ter; replaces glutamic acid 293 with a stop codon.
Molecular consequence: nonsense.
Genome position (GRCh38, 1-based): chr1:27,551,239, C>A on the plus strand (G>T on the coding strand, the complement: AHDC1 is on the minus strand). VCF-style: chr1-27551239-C-A. GRCh37 (hg19) VCF-style: chr1-27877750-C-A.
Other names: c.877G>T, p.Glu293Ter (NM_001029882.3); short protein forms E293*.
Identifiers: ClinVar variation 1098349 (VCV001098349.2), dbSNP rs2148291547, ClinGen allele CA339235857.